The following is an entry in ClinVar:

NM_138713.4(NFAT5):c.3665C>T (p.Pro1222Leu)

Gene: NFAT5 (nuclear factor of activated T cells 5; plus strand). Cytogenetic location: 16q22.1.
Variant type: single nucleotide variant.
Coding change: c.3665C>T on transcript NM_138713.4 (MANE Select); coding-DNA position 3665, C replaced by T.
Protein change: p.Pro1222Leu; replaces proline 1222 with leucine.
Molecular consequence: missense variant.
Genome position (GRCh38, 1-based): chr16:69,693,490, C>T. VCF-style: chr16-69693490-C-T. GRCh37 (hg19) VCF-style: chr16-69727393-C-T.
Other names: c.3665C>T (NM_138713.3); c.3665C>T, p.Pro1222Leu (LRG_1332t1); c.3662C>T, p.Pro1221Leu (NM_001113178.3); c.2990C>T, p.Pro997Leu (NM_001367709.1); c.3611C>T, p.Pro1204Leu (NM_006599.4); c.3383C>T, p.Pro1128Leu (NM_138714.4, NM_173214.3, NM_173215.3); short protein forms P1204L, P1221L, P997L, P1222L, P1128L.
Identifiers: ClinVar variation 652198 (VCV000652198.13), dbSNP rs755263731, ClinGen allele CA8135931.
Genomic context (GRCh38, chr16:69,693,490, plus strand): 5'-AGCAAGCTCCAATATCACACATCCAGACTCCTATGCTTTCCCAAGAACAGGCACAACCCC[C>T]GCAGCAGGGTTTATTTCAGCCTCAGGTGGCCCTGGGCTCCCTTCCACCTAATCCAATGCC-3'
Protein context (NP_619727.2, residues 1212-1232): PMLSQEQAQP[Pro1222Leu]QQGLFQPQVA

ClinVar aggregate classification (germline): Uncertain significance. Review status: criteria provided, multiple submitters, no conflicts (2 of 4 stars). 4 submissions from 4 submitters: Uncertain significance (4). Last evaluated 2025-12-15.

Conditions:
Immunodeficiency. Identifiers: MedGen C0021051, MONDO:0021094, HP:0002721.
NFAT5-related disorder. Also called: NFAT5-related condition.

Allele frequency attached by ClinVar (database versions not stated): ExAC 0.00001; gnomAD exomes 0.00001 and 0.00002; gnomAD 0.00011 and 0.00012; TOPMed 0.00029.
gnomAD v4.1: 62 of 1,614,030 alleles (0.0038%); highest among the groups gnomAD compares: East Asian, 0.04%; 1 homozygote.

Submissions (4):

Labcorp Genetics (formerly Invitae), Labcorp
Classification: Uncertain significance for Immunodeficiency. Last evaluated: 2025-12-15. Review status: criteria provided, single submitter. Criteria: Invitae Variant Classification Sherloc (09022015). Collection method: clinical testing. Allele origin: germline.
Comment: This sequence change replaces proline, which is neutral and non-polar, with leucine, which is neutral and non-polar, at codon 1128 of the NFAT5 protein (p.Pro1128Leu). This variant is present in population databases (rs755263731, gnomAD 0.004%). This variant has not been reported in the literature in individuals affected with NFAT5-related conditions. ClinVar contains an entry for this variant (Variation ID: 652198). An algorithm developed to predict the effect of missense changes on protein structure and function (PolyPhen-2) suggests that this variant is likely to be tolerated. In summary, the available evidence is currently insufficient to determine the role of this variant in disease. Therefore, it has been classified as a Variant of Uncertain Significance.

PreventionGenetics, part of Exact Sciences
Classification: Uncertain significance for NFAT5-related condition. Last evaluated: 2023-06-02. Review status: criteria provided, single submitter. Criteria: ACMG Guidelines, 2015. Collection method: clinical testing. Allele origin: germline.
Comment: The NFAT5 c.3383C>T variant is predicted to result in the amino acid substitution p.Pro1128Leu. To our knowledge, this variant has not been reported in the literature. This variant is reported in 0.0040% of alleles in individuals of African descent in gnomAD. At this time, the clinical significance of this variant is uncertain due to the absence of conclusive functional and genetic evidence.

Ambry Genetics
Classification: Uncertain significance. Last evaluated: 2021-08-30. Review status: criteria provided, single submitter. Criteria: Ambry Variant Classification Scheme 2023. Collection method: clinical testing. Allele origin: germline.

Breakthrough Genomics
Classification: Uncertain significance. Review status: criteria provided, single submitter. Criteria: ACMG Guidelines, 2015. Collection method: not provided. Allele origin: germline. Inheritance: Unknown mechanism. Affected: yes.